The following is an entry in ClinVar:

NM_000702.4(ATP1A2):c.2251A>G (p.Asn751Asp)

Gene: ATP1A2 (ATPase Na+/K+ transporting subunit alpha 2; plus strand). Cytogenetic location: 1q23.2.
Variant type: single nucleotide variant.
Coding change: c.2251A>G on transcript NM_000702.4 (MANE Select); coding-DNA position 2251, A replaced by G.
Protein change: p.Asn751Asp; replaces asparagine 751 with aspartic acid.
Molecular consequence: missense variant.
Genome position (GRCh38, 1-based): chr1:160,135,569, A>G. VCF-style: chr1-160135569-A-G. GRCh37 (hg19) VCF-style: chr1-160105359-A-G.
Other names: short protein forms N751D.
Identifiers: ClinVar variation 839860 (VCV000839860.11), dbSNP rs1651910730, ClinGen allele CA343249498.
Genomic context (GRCh38, chr1:160,135,569, plus strand): 5'-ATGGGCATCTCTGGCTCTGACGTCTCTAAGCAGGCAGCCGACATGATCCTGCTGGATGAC[A>G]ACTTTGCCTCCATCGTCACGGGGGTGGAGGAGGGTGAGGAGGCTGCATGGGTTGGGATGG-3'
Protein context (NP_000693.1, residues 741-761): QAADMILLDD[Asn751Asp]FASIVTGVEE

ClinVar aggregate classification (germline): Uncertain significance (1 of 4 stars; one submission).

Conditions:
Familial hemiplegic migraine. Identifiers: MedGen C0338484, MONDO:0000700.

Allele frequency attached by ClinVar (database versions not stated): gnomAD exomes below 0.00001.
gnomAD v4.1: 6 of 1,614,088 alleles (0.00037%); highest among the groups gnomAD compares: Non-Finnish European, 0.00042%; no homozygotes.

Submission:

Labcorp Genetics (formerly Invitae), Labcorp
Classification: Uncertain significance for Familial hemiplegic migraine. Last evaluated: 2019-12-11. Review status: criteria provided, single submitter. Criteria: Invitae Variant Classification Sherloc (09022015). Collection method: clinical testing. Allele origin: germline.
Comment: In summary, the available evidence is currently insufficient to determine the role of this variant in disease. Therefore, it has been classified as a Variant of Uncertain Significance. Algorithms developed to predict the effect of missense changes on protein structure and function are either unavailable or do not agree on the potential impact of this missense change (SIFT: "Deleterious"; PolyPhen-2: "Benign"; Align-GVGD: "Class C15"). This variant has not been reported in the literature in individuals with ATP1A2-related conditions. This variant is not present in population databases (ExAC no frequency). This sequence change replaces asparagine with aspartic acid at codon 751 of the ATP1A2 protein (p.Asn751Asp). The asparagine residue is highly conserved and there is a small physicochemical difference between asparagine and aspartic acid.